The following is an entry in ClinVar:

ClinVar aggregate classification (germline): Likely pathogenic (1 of 4 stars; one submission).

Submission:

GeneDx
Classification: Likely pathogenic. Last evaluated: 2025-01-29. Review status: criteria provided, single submitter. Criteria: GeneDx Variant Classification Process June 2021. Collection method: clinical testing. Allele origin: germline. Affected: yes.
Comment: Published functional studies suggest conflicting results about the effect of this variant on histone methylation; therefore, additional studies are needed to determine the functional effect of this variant in vivo (PMID: 32322039); In silico analysis supports that this missense variant has a deleterious effect on protein structure/function; Not observed at significant frequency in large population cohorts (gnomAD); This variant is associated with the following publications: (PMID: 32322039)

NM_004456.5(EZH2):c.434T>G (p.Phe145Cys)

Gene: EZH2 (enhancer of zeste 2 polycomb repressive complex 2 subunit; minus strand). Cytogenetic location: 7q36.1.
Variant type: single nucleotide variant.
Coding change: c.434T>G on transcript NM_004456.5 (MANE Select); coding-DNA position 434, T replaced by G.
Protein change: p.Phe145Cys; replaces phenylalanine 145 with cysteine.
Molecular consequence: missense variant.
Genome position (GRCh38, 1-based): chr7:148,829,778, A>C on the plus strand (T>G on the coding strand, the complement: EZH2 is on the minus strand). VCF-style: chr7-148829778-A-C. GRCh37 (hg19) VCF-style: chr7-148526870-A-C.
Other names: c.434T>G, p.Phe145Cys (NM_001203247.2); c.407T>G, p.Phe136Cys (NM_001203248.2, NM_001203249.2); c.317T>G, p.Phe106Cys (NM_152998.3); short protein forms F136C, F145C, F106C.
Identifiers: ClinVar variation 3393823 (VCV003393823.2).